The following is an entry in ClinVar:

ClinVar aggregate classification (germline): Likely pathogenic (0 of 4 stars; one submission).

Conditions:
AVP-related disorder. Also called: AVP-related condition.

Submission:

PreventionGenetics, part of Exact Sciences
Classification: Likely pathogenic for AVP-related condition. Last evaluated: 2024-06-26. Review status: no assertion criteria provided. Collection method: clinical testing. Allele origin: germline.
Comment: The AVP c.346T>C variant is predicted to result in the amino acid substitution p.Cys116Arg. This variant has been reported in one Dutch family with familial neurohypophyseal diabetes insipidus (FNDI) (Abbes et al. 2000. PubMed ID: 11017955). Different missense changes impacting the same amino acid (p.Cys116Gly and p.Cys116Trp) have also been reported in individuals with FNDI (Abbes et al. 2000. PubMed ID: 11017955; Nijenjuis et al. 2001. PubMed ID: 11443218; Christensen et al. 2004. PubMed ID: 14673472). This variant has not been reported in a large population database, indicating this variant is rare. This variant is interpreted as likely pathogenic.

NM_000490.5(AVP):c.346T>C (p.Cys116Arg)

Gene: AVP (arginine vasopressin; minus strand). Cytogenetic location: 20p13.
Variant type: single nucleotide variant.
Coding change: c.346T>C on transcript NM_000490.5 (MANE Select); coding-DNA position 346, T replaced by C.
Protein change: p.Cys116Arg; replaces cysteine 116 with arginine.
Molecular consequence: missense variant.
Genome position (GRCh38, 1-based): chr20:3,082,779, A>G on the plus strand (T>C on the coding strand, the complement: AVP is on the minus strand). VCF-style: chr20-3082779-A-G. GRCh37 (hg19) VCF-style: chr20-3063425-A-G.
Other names: short protein forms C116R.
Identifiers: ClinVar variation 3347467 (VCV003347467.1).